The following is an entry in ClinVar:

NM_000059.4(BRCA2):c.5379del (p.Asn1793fs)

Gene: BRCA2 (BRCA2 DNA repair associated; plus strand). Cytogenetic location: 13q13.1.
Variant type: Deletion.
Coding change: c.5379del on transcript NM_000059.4 (MANE Select); coding-DNA position 5379, one base deleted (T; older notation c.5379delT).
Protein change: p.Asn1793fs; shifts the reading frame from asparagine 1793.
Molecular consequence: frameshift variant.
Genome position (GRCh38, 1-based): chr13:32,339,734, T deleted. VCF-style (leftmost placement, unchanged base first): chr13-32339733-AT-A. GRCh37 (hg19) VCF-style: chr13-32913870-AT-A.
Other names: short protein forms N1793fs.
Identifiers: ClinVar variation 825687 (VCV000825687.4), dbSNP rs1593905326, ClinGen allele CA915948491.
Genomic context (GRCh38, chr13:32,339,733, plus strand): 5'-AGCCAGTATTGAAGAATGTTGAAGATCAAAAAAACACTAGTTTTTCCAAAGTAATATCCA[AT>A]GTAAAAGATGCAAATGCATACCCACAAACTGTAAATGAAGATATTTGCGTTGAGGAACTT-3'

ClinVar aggregate classification (germline): Pathogenic (1 of 4 stars; one submission).

Conditions:
Hereditary cancer-predisposing syndrome. Also called: Neoplastic Syndromes, Hereditary; Tumor predisposition; Hereditary neoplastic syndrome; Hereditary Cancer Syndrome. Identifiers: Orphanet 140162, MedGen C0027672, MeSH D009386, MONDO:0015356.

Submission:

Ambry Genetics
Classification: Pathogenic for Hereditary cancer-predisposing syndrome. Last evaluated: 2019-02-28. Review status: criteria provided, single submitter. Criteria: Ambry Variant Classification Scheme 2023. Collection method: clinical testing. Allele origin: germline.
Comment: The c.5379delT pathogenic mutation, located in coding exon 10 of the BRCA2 gene, results from a deletion of one nucleotide at nucleotide position 5379, causing a translational frameshift with a predicted alternate stop codon (p.N1793Kfs*2). This alteration is expected to result in loss of function by premature protein truncation or nonsense-mediated mRNA decay. As such, this alteration is interpreted as a disease-causing mutation.